The following is an entry in ClinVar:

NM_001048174.2(MUTYH):c.190G>C (p.Glu64Gln)

Gene: MUTYH (mutY DNA glycosylase; minus strand). Cytogenetic location: 1p34.1.
Variant type: single nucleotide variant.
Coding change: c.190G>C on transcript NM_001048174.2 (MANE Select); coding-DNA position 190, G replaced by C.
Protein change: p.Glu64Gln; replaces glutamic acid 64 with glutamine.
Molecular consequence: missense variant. On other transcripts: 5 prime UTR variant (6), non-coding transcript variant (7).
Genome position (GRCh38, 1-based): chr1:45,333,487, C>G on the plus strand (G>C on the coding strand, the complement: MUTYH is on the minus strand). VCF-style: chr1-45333487-C-G. GRCh37 (hg19) VCF-style: chr1-45799159-C-G.
Other names: c.190G>C, p.Glu64Gln (NM_001048171.2, NM_001048173.2, NM_001407088.1 and 6 more transcripts); c.193G>C, p.Glu65Gln (NM_001048172.2, NM_001407086.1, NM_001407071.1 and 2 more transcripts); c.232G>C, p.Glu78Gln (NM_001407083.1, NM_001407085.1, NM_001407073.1); c.211G>C, p.Glu71Gln (NM_001407087.1); c.-87G>C (NM_001407091.1, NM_001293192.2, NM_001293196.2); c.265G>C, p.Glu89Gln (NM_012222.3, NM_001407069.1); c.274G>C, p.Glu92Gln (NM_001128425.2); c.235G>C, p.Glu79Gln (NM_001293190.2); and 3 more; short protein forms E36Q, E71Q, E92Q, E65Q, E75Q, E79Q, E64Q, E78Q.
Identifiers: ClinVar variation 4113568 (VCV004113568.1).

ClinVar aggregate classification (germline): Uncertain significance (1 of 4 stars; one submission).

Conditions:
Hereditary cancer-predisposing syndrome. Also called: Hereditary neoplastic syndrome; Neoplastic Syndromes, Hereditary; Tumor predisposition; Hereditary Cancer Syndrome. Identifiers: Orphanet 140162, MedGen C0027672, MeSH D009386, MONDO:0015356.

Submission:

Ambry Genetics
Classification: Uncertain significance for Hereditary cancer-predisposing syndrome. Last evaluated: 2025-08-27. Review status: criteria provided, single submitter. Criteria: Ambry Variant Classification Scheme 2023. Collection method: clinical testing. Allele origin: germline.
Comment: The p.E92Q variant (also known as c.274G>C), located in coding exon 3 of the MUTYH gene, results from a G to C substitution at nucleotide position 274. The glutamic acid at codon 92 is replaced by glutamine, an amino acid with highly similar properties. This amino acid position is conserved. In addition, this alteration is predicted to be tolerated by in silico analysis. Based on the available evidence, the clinical significance of this variant remains unclear.